The following is an entry in ClinVar:

NM_001040108.2(MLH3):c.3643+2dup

Gene: MLH3 (mutL homolog 3; minus strand). Cytogenetic location: 14q24.3.
Variant type: Duplication.
Coding change: c.3643+2dup on transcript NM_001040108.2 (MANE Select); the canonical splice donor site of the intron after coding-DNA position 3643, one base duplicated (T; older notation c.3643+2dupT).
Molecular consequence: splice donor variant.
Genome position (GRCh38, 1-based): chr14:75,038,338, A duplicated on the plus strand (T on the coding strand, the reverse complement: MLH3 is on the minus strand). VCF-style (leftmost placement, unchanged base first): chr14-75038337-T-TA. GRCh37 (hg19) VCF-style: chr14-75505040-T-TA.
Other names: c.3643+2dup (NM_014381.3).
Identifiers: ClinVar variation 5024559 (VCV005024559.1).

ClinVar aggregate classification (germline): Uncertain significance (1 of 4 stars; one submission).

Submission:

Ambry Genetics
Classification: Uncertain significance. Last evaluated: 2026-08-04. Review status: criteria provided, single submitter. Criteria: Ambry Variant Classification Scheme 2023. Collection method: clinical testing. Allele origin: germline.
Comment: The c.3643+2dupT intronic variant is located 2 nucleotides after coding exon 5 of the MLH3 gene. This variant results from a duplication of one nucleotide at position c.3643+2. This nucleotide position is highly conserved in available vertebrate species. In silico splice site analysis predicts that this alteration will weaken the native splice donor site. Based on the available evidence, the clinical significance of this variant remains unclear.